The following is an entry in ClinVar:

NM_015378.4(VPS13D):c.6853A>G (p.Met2285Val)

Gene: VPS13D (vacuolar protein sorting 13 homolog D; plus strand). Cytogenetic location: 1p36.22.
Variant type: single nucleotide variant.
Coding change: c.6853A>G on transcript NM_015378.4 (MANE Select); coding-DNA position 6853, A replaced by G.
Protein change: p.Met2285Val; replaces methionine 2285 with valine.
Molecular consequence: missense variant.
Genome position (GRCh38, 1-based): chr1:12,311,843, A>G. VCF-style: chr1-12311843-A-G. GRCh37 (hg19) VCF-style: chr1-12371900-A-G.
Other names: c.6853A>G, p.Met2285Val (NM_018156.4); short protein forms M2285V.
Identifiers: ClinVar variation 1966620 (VCV001966620.7), dbSNP rs115096288, ClinGen allele CA602713.

ClinVar aggregate classification (germline): Uncertain significance. Review status: criteria provided, multiple submitters, no conflicts (2 of 4 stars). 3 submissions from 3 submitters: Uncertain significance (3). Last evaluated 2025-09-07.

Conditions:
Inborn genetic diseases. Identifiers: MedGen C0950123, MeSH D030342.

Allele frequency attached by ClinVar (database versions not stated): gnomAD exomes 0.00004; ExAC 0.00011; ESP Exome Variant Server 0.00015; gnomAD 0.00026; TOPMed 0.00027; 1000 Genomes Project 0.00040; 1000 Genomes Project 30x 0.00047.

Submissions (3):

Labcorp Genetics (formerly Invitae), Labcorp
Classification: Uncertain significance. Last evaluated: 2025-09-07. Review status: criteria provided, single submitter. Criteria: Invitae Variant Classification Sherloc (09022015). Collection method: clinical testing. Allele origin: germline.
Comment: This sequence change replaces methionine, which is neutral and non-polar, with valine, which is neutral and non-polar, at codon 2285 of the VPS13D protein (p.Met2285Val). This variant is present in population databases (rs115096288, gnomAD 0.1%). This variant has not been reported in the literature in individuals affected with VPS13D-related conditions. ClinVar contains an entry for this variant (Variation ID: 1966620). Invitae Evidence Modeling of protein sequence and biophysical properties (such as structural, functional, and spatial information, amino acid conservation, physicochemical variation, residue mobility, and thermodynamic stability) indicates that this missense variant is not expected to disrupt VPS13D protein function with a negative predictive value of 80%. In summary, the available evidence is currently insufficient to determine the role of this variant in disease. Therefore, it has been classified as a Variant of Uncertain Significance.

Blueprint Genetics
Classification: Uncertain significance. Last evaluated: 2024-03-01. Review status: criteria provided, single submitter. Criteria: ACMG Guidelines, 2015. Collection method: clinical testing. Allele origin: germline.

Ambry Genetics
Classification: Uncertain significance for Inborn genetic diseases. Last evaluated: 2021-08-10. Review status: criteria provided, single submitter. Criteria: Ambry Variant Classification Scheme 2023. Collection method: clinical testing. Allele origin: germline.